The following is an entry in ClinVar:

ClinVar aggregate classification (germline): Likely pathogenic (1 of 4 stars; one submission).

Submission:

CeGaT Center for Human Genetics Tuebingen
Classification: Likely pathogenic. Last evaluated: 2025-06-01. Review status: criteria provided, single submitter. Criteria: CeGaT Center For Human Genetics Tuebingen Variant Classification Criteria Version 2. Collection method: clinical testing. Allele origin: germline. Affected: yes. Observed: 1 variant allele.
Comment: KIF21A: PM2, PP4:Moderate, PVS1:Moderate

NM_001173464.2(KIF21A):c.4952G>A (p.Trp1651Ter)

Gene: KIF21A (kinesin family member 21A; minus strand). Cytogenetic location: 12q12.
Variant type: single nucleotide variant.
Coding change: c.4952G>A on transcript NM_001173464.2 (MANE Select); coding-DNA position 4952, G replaced by A.
Protein change: p.Trp1651Ter; replaces tryptophan 1651 with a stop codon.
Molecular consequence: nonsense.
Genome position (GRCh38, 1-based): chr12:39,294,497, C>T on the plus strand (G>A on the coding strand, the complement: KIF21A is on the minus strand). VCF-style: chr12-39294497-C-T. GRCh37 (hg19) VCF-style: chr12-39688299-C-T.
Other names: c.4841G>A, p.Trp1614Ter (NM_001173463.2); c.4793G>A, p.Trp1598Ter (NM_001173465.2); c.4955G>A, p.Trp1652Ter (NM_001378439.1); c.4940G>A, p.Trp1647Ter (NM_001378440.1); c.4916G>A, p.Trp1639Ter (NM_001378441.1); c.4913G>A, p.Trp1638Ter (NM_017641.4); short protein forms W1598*, W1614*, W1638*, W1639*, W1647*, W1651*, W1652*.
Identifiers: ClinVar variation 4085289 (VCV004085289.8).